The following is an entry in ClinVar:

NM_006254.4(PRKCD):c.681C>T (p.Ile227=)

Gene: PRKCD (protein kinase C delta; plus strand). Cytogenetic location: 3p21.1.
Variant type: single nucleotide variant.
Coding change: c.681C>T on transcript NM_006254.4 (MANE Select); coding-DNA position 681, C replaced by T.
Protein change: p.Ile227=; no amino-acid change (isoleucine 227 retained).
Molecular consequence: synonymous variant.
Genome position (GRCh38, 1-based): chr3:53,183,475, C>T. VCF-style: chr3-53183475-C-T. GRCh37 (hg19) VCF-style: chr3-53217491-C-T.
Other names: p.Ile227=; c.681C>T, p.Ile227= (NM_001316327.2, NM_001354679.2, NM_001354680.2 and 1 more transcripts); c.738C>T, p.Ile246= (NM_001354676.2); c.729C>T, p.Ile243= (NM_001354678.2).
Identifiers: ClinVar variation 2146248 (VCV002146248.6), dbSNP rs572878484, ClinGen allele CA2451939.

ClinVar aggregate classification (germline): Likely benign. Review status: criteria provided, multiple submitters, no conflicts (2 of 4 stars). 3 submissions from 3 submitters: Likely benign (3). Last evaluated 2025-12-11.

Conditions:
Autoimmune lymphoproliferative syndrome, type III caused by mutation in PRKCD. Identifiers: Orphanet 3261, Orphanet 664711, MedGen C3809928, MONDO:8000024, OMIM 615559.

Allele frequency attached by ClinVar (database versions not stated): gnomAD exomes 0.00002; TOPMed 0.00003; gnomAD 0.00004; ExAC 0.00007; 1000 Genomes Project 0.00020; 1000 Genomes Project 30x 0.00062.
gnomAD v4.1: 34 of 1,614,196 alleles (0.0021%); highest among the groups gnomAD compares: South Asian, 0.021%; no homozygotes.

Submissions (3):

Mayo Clinic Laboratories, Mayo Clinic
Classification: Likely benign. Last evaluated: 2025-12-11. Review status: criteria provided, single submitter. Criteria: ACMG Guidelines, 2015. Collection method: clinical testing. Allele origin: germline. Observed: 1 variant allele.
Comment: BP4, BP7

Labcorp Genetics (formerly Invitae), Labcorp
Classification: Likely benign for Autoimmune lymphoproliferative syndrome, type III caused by mutation in PRKCD. Last evaluated: 2022-06-22. Review status: criteria provided, single submitter. Criteria: Invitae Variant Classification Sherloc (09022015). Collection method: clinical testing. Allele origin: germline.

Blueprint Genetics
Classification: Likely benign. Last evaluated: 2022-02-07. Review status: criteria provided, single submitter. Criteria: ACMG Guidelines, 2015. Collection method: clinical testing. Allele origin: germline.